The following is an entry in ClinVar:

NM_001735.3(C5):c.3566C>T (p.Ala1189Val)

Gene: C5 (complement C5; minus strand). Cytogenetic location: 9q33.2.
Variant type: single nucleotide variant.
Coding change: c.3566C>T on transcript NM_001735.3 (MANE Select); coding-DNA position 3566, C replaced by T.
Protein change: p.Ala1189Val; replaces alanine 1189 with valine.
Molecular consequence: missense variant.
Genome position (GRCh38, 1-based): chr9:120,980,175, G>A on the plus strand (C>T on the coding strand, the complement: C5 is on the minus strand). VCF-style: chr9-120980175-G-A. GRCh37 (hg19) VCF-style: chr9-123742453-G-A.
Other names: c.3584C>T, p.Ala1195Val (NM_001317163.2); short protein forms A1195V, A1189V.
Identifiers: ClinVar variation 1992482 (VCV001992482.4), dbSNP rs2540392292, ClinGen allele CA374727359.

ClinVar aggregate classification (germline): Uncertain significance (1 of 4 stars; one submission).

Submission:

Labcorp Genetics (formerly Invitae), Labcorp
Classification: Uncertain significance. Last evaluated: 2022-05-09. Review status: criteria provided, single submitter. Criteria: Invitae Variant Classification Sherloc (09022015). Collection method: clinical testing. Allele origin: germline.
Comment: In summary, the available evidence is currently insufficient to determine the role of this variant in disease. Therefore, it has been classified as a Variant of Uncertain Significance. Algorithms developed to predict the effect of missense changes on protein structure and function (SIFT, PolyPhen-2, Align-GVGD) all suggest that this variant is likely to be disruptive. This variant has not been reported in the literature in individuals affected with C5-related conditions. This variant is not present in population databases (gnomAD no frequency). This sequence change replaces alanine, which is neutral and non-polar, with valine, which is neutral and non-polar, at codon 1189 of the C5 protein (p.Ala1189Val).